The following is an entry in ClinVar:

ClinVar aggregate classification (germline): Pathogenic (1 of 4 stars; one submission).

Submission:

Labcorp Genetics (formerly Invitae), Labcorp
Classification: Pathogenic. Last evaluated: 2024-12-24. Review status: criteria provided, single submitter. Criteria: Invitae Variant Classification Sherloc (09022015). Collection method: clinical testing. Allele origin: germline.
Comment: This sequence change creates a premature translational stop signal (p.Ile353Tyrfs*54) in the SLC34A2 gene. It is expected to result in an absent or disrupted protein product. Loss-of-function variants in SLC34A2 are known to be pathogenic (PMID: 16960801). This variant is not present in population databases (gnomAD no frequency). This variant has not been reported in the literature in individuals affected with SLC34A2-related conditions. For these reasons, this variant has been classified as Pathogenic.

Literature cited by the submitters: PubMed 16960801.

NM_006424.3(SLC34A2):c.1056dup (p.Ile353fs)

Gene: SLC34A2 (solute carrier family 34 member 2; plus strand). Cytogenetic location: 4p15.2.
Variant type: Duplication.
Coding change: c.1056dup on transcript NM_006424.3 (MANE Select); coding-DNA position 1056, one base duplicated (T; older notation c.1056dupT).
Protein change: p.Ile353fs; shifts the reading frame from isoleucine 353.
Molecular consequence: frameshift variant.
Genome position (GRCh38, 1-based): chr4:25,673,094, T duplicated. VCF-style (leftmost placement, unchanged base first): chr4-25673093-A-AT. GRCh37 (hg19) VCF-style: chr4-25674715-A-AT.
Other names: c.1053dup, p.Ile352fs (NM_001177998.2, NM_001177999.2); short protein forms I352fs, I353fs.
Identifiers: ClinVar variation 3724784 (VCV003724784.2).
Genomic context (GRCh38, chr4:25,673,093, plus strand): 5'-CTGTAGCCGTGGTGGCTCCATGCCCTCCTGACAAGATTCTTTGTGGTCTTTCAGGCCAGC[A>AT]TATCTTTGTGAATTTCCACCTCCCGGATCTTGCTGTGGGCACCATCTTGCTCATACTCTC-3'